The following is an entry in ClinVar:

NM_001378615.1(CC2D2A):c.2251A>G (p.Thr751Ala)

Genes: CC2D2A (coiled-coil and C2 domain containing 2A; plus strand), FBXL5 (F-box and leucine rich repeat protein 5; minus strand). Cytogenetic location: 4p15.32.
Variant type: single nucleotide variant.
Coding change: c.2251A>G on transcript NM_001378615.1 (MANE Select); coding-DNA position 2251, A replaced by G.
Protein change: p.Thr751Ala; replaces threonine 751 with alanine.
Molecular consequence: missense variant.
Genome position (GRCh38, 1-based): chr4:15,550,893, A>G. VCF-style: chr4-15550893-A-G. GRCh37 (hg19) VCF-style: chr4-15552516-A-G.
Other names: c.2251A>G, p.Thr751Ala (NM_001080522.2); c.2104A>G, p.Thr702Ala (NM_001378617.1); short protein forms T751A, T702A.
Identifiers: ClinVar variation 499394 (VCV000499394.6), dbSNP rs942868342, ClinGen allele CA92541238.

ClinVar aggregate classification (germline): Uncertain significance. Review status: criteria provided, multiple submitters, no conflicts (2 of 4 stars). 2 submissions from 2 submitters: Uncertain significance (2). Last evaluated 2023-07-19.

Conditions:
Meckel-Gruber syndrome. Also called: Dysencephalia splachnocystica; DYSENCEPHALIA SPLANCHNOCYSTICA; GRUBER SYNDROME. Identifiers: Orphanet 564, MedGen C0265215, MONDO:0018921.
Joubert syndrome. Also called: JOUBERT-BOLTSHAUSER SYNDROME; Familial aplasia of the vermis. Identifiers: Orphanet 475, MedGen C5979921, MONDO:0018772.

Allele frequency attached by ClinVar (database versions not stated): gnomAD exomes below 0.00001; gnomAD 0.00001; TOPMed 0.00002.
gnomAD v4.1: 3 of 1,607,248 alleles (0.00019%); highest among the groups gnomAD compares: African/African-American, 0.0013%; no homozygotes.

Submissions (2):

Labcorp Genetics (formerly Invitae), Labcorp
Classification: Uncertain significance for Joubert syndrome; Meckel-Gruber syndrome. Last evaluated: 2023-07-19. Review status: criteria provided, single submitter. Criteria: Invitae Variant Classification Sherloc (09022015). Collection method: clinical testing. Allele origin: germline.
Comment: In summary, the available evidence is currently insufficient to determine the role of this variant in disease. Therefore, it has been classified as a Variant of Uncertain Significance. Advanced modeling of protein sequence and biophysical properties (such as structural, functional, and spatial information, amino acid conservation, physicochemical variation, residue mobility, and thermodynamic stability) performed at Invitae indicates that this missense variant is not expected to disrupt CC2D2A protein function. ClinVar contains an entry for this variant (Variation ID: 499394). This variant has not been reported in the literature in individuals affected with CC2D2A-related conditions. This variant is not present in population databases (gnomAD no frequency). This sequence change replaces threonine, which is neutral and polar, with alanine, which is neutral and non-polar, at codon 751 of the CC2D2A protein (p.Thr751Ala).

Eurofins Ntd Llc (ga)
Classification: Uncertain significance. Last evaluated: 2016-12-27. Review status: criteria provided, single submitter. Criteria: EGL Classification Definitions 2015. Collection method: clinical testing. Allele origin: germline. Observed: 1 variant allele, 1 heterozygote.